The following is an entry in ClinVar:

NM_000088.4(COL1A1):c.298+7C>A

Gene: COL1A1 (collagen type I alpha 1 chain; minus strand). Cytogenetic location: 17q21.33.
Variant type: single nucleotide variant.
Coding change: c.298+7C>A on transcript NM_000088.4 (MANE Select); 7 bases into the intron after coding-DNA position 298, C replaced by A.
Molecular consequence: intron variant.
Genome position (GRCh38, 1-based): chr17:50,199,746, G>T on the plus strand (C>A on the coding strand, the complement: COL1A1 is on the minus strand). VCF-style: chr17-50199746-G-T. GRCh37 (hg19) VCF-style: chr17-48277107-G-T.
Other names: p.?.
Identifiers: ClinVar variation 324120 (VCV000324120.33), dbSNP rs41317345, ClinGen allele CA8645788.

ClinVar aggregate classification (germline): Benign. Review status: criteria provided, multiple submitters, no conflicts (2 of 4 stars). 11 submissions from 8 submitters: Benign (11). Last evaluated 2026-01-26.

Conditions:
Ehlers-Danlos syndrome (EDS). Identifiers: Orphanet 98249, MedGen C0013720, MONDO:0020066.
Osteogenesis imperfecta type I (OI1). Also called: OI, TYPE I; OSTEOGENESIS IMPERFECTA TARDA; OSTEOGENESIS IMPERFECTA WITH BLUE SCLERAE; Classic Non-deforming Osteogenesis Imperfecta with Blue Sclerae; Osteogenesis imperfecta type 1; Lobstein's Disease. Identifiers: Orphanet 216796, Orphanet 666, MedGen C0023931, MONDO:0008146, OMIM 166200. Disease mechanism: loss of function.
Infantile cortical hyperostosis. Also called: P1PK BLOOD GROUP SYSTEM, P(2) PHENOTYPE; Hyperostosis, Cortical, Congenital; Caffey Disease. Identifiers: Orphanet 1310, MedGen C0020497, MONDO:0007244, OMIM 114000.
Ehlers-Danlos syndrome, arthrochalasia type. Also called: ARTHROCHALASIS MULTIPLEX CONGENITA; EDS VII, MUTANT PROCOLLAGEN TYPE; EDS VIIA; Ehlers-Danlos syndrome, arthrochalasia type, 1; Ehlers-Danlos syndrome, arthrochalasis type. Identifiers: Orphanet 1899, Orphanet 99875, Orphanet 99876, MedGen C4551623, MONDO:0007525, OMIM 130060.
Osteogenesis imperfecta (OI). Identifiers: Orphanet 666, MedGen C0029434, MeSH D010013, MONDO:0019019.

Allele frequency attached by ClinVar (database versions not stated): gnomAD exomes 0.00129 and 0.00365; ExAC 0.00428; gnomAD 0.01260 and 0.01333; 1000 Genomes Project 30x 0.01374; 1000 Genomes Project 0.01418; TOPMed 0.01429; ESP Exome Variant Server 0.01487.
gnomAD v4.1: 3,874 of 1,610,402 alleles (0.24%); highest among the groups gnomAD compares: African/African-American, 4.2%; 72 homozygotes.

Submissions (11):

Labcorp Genetics (formerly Invitae), Labcorp
Classification: Benign for Osteogenesis imperfecta type I. Last evaluated: 2026-01-26. Review status: criteria provided, single submitter. Criteria: Invitae Variant Classification Sherloc (09022015). Collection method: clinical testing. Allele origin: germline.

ARUP Laboratories, Molecular Genetics and Genomics, ARUP Laboratories
Classification: Benign. Last evaluated: 2024-07-23. Review status: criteria provided, single submitter. Criteria: ARUP Molecular Germline Variant Investigation Process 2024. Collection method: clinical testing. Allele origin: germline.

Genome Diagnostics Laboratory, The Hospital for Sick Children
Classification: Benign for Ehlers-Danlos syndrome. Last evaluated: 2022-01-31. Review status: criteria provided, single submitter. Criteria: ACMG Guidelines, 2015. Collection method: clinical testing. Allele origin: germline.

Genome Diagnostics Laboratory, The Hospital for Sick Children
Classification: Benign for Osteogenesis imperfecta. Last evaluated: 2021-12-06. Review status: criteria provided, single submitter. Criteria: ACMG Guidelines, 2015. Collection method: clinical testing. Allele origin: germline.

Mayo Clinic Laboratories, Mayo Clinic
Classification: Benign. Last evaluated: 2021-05-20. Review status: criteria provided, single submitter. Criteria: ACMG Guidelines, 2015. Collection method: clinical testing. Allele origin: germline. Observed: 20 variant alleles.

Athena Diagnostics
Classification: Benign. Last evaluated: 2018-02-27. Review status: criteria provided, single submitter. Criteria: Athena Diagnostics Criteria. Collection method: clinical testing. Allele origin: germline.

Illumina Laboratory Services, Illumina
Classification: Benign for Osteogenesis imperfecta. Last evaluated: 2018-01-13. Review status: criteria provided, single submitter. Criteria: ICSL Variant Classification Criteria 13 December 2019. Collection method: clinical testing. Allele origin: germline.
Comment: This variant was observed in the ICSL laboratory as part of a predisposition screen in an ostensibly healthy population. It had not been previously curated by ICSL or reported in the Human Gene Mutation Database (HGMD: prior to June 1st, 2018), and was therefore a candidate for classification through an automated scoring system. Utilizing variant allele frequency, disease prevalence and penetrance estimates, and inheritance mode, an automated score was calculated to assess if this variant is too frequent to cause the disease. Based on the score and internal cut-off values, a variant classified as benign is not then subjected to further curation. The score for this variant resulted in a classification of benign for this disease.

Illumina Laboratory Services, Illumina
Classification: Benign for Ehlers-Danlos syndrome, arthrochalasia type. Last evaluated: 2018-01-13. Review status: criteria provided, single submitter. Criteria: ICSL Variant Classification Criteria 13 December 2019. Collection method: clinical testing. Allele origin: germline.
Comment: the same text as in the submission from Illumina Laboratory Services, Illumina above.

Illumina Laboratory Services, Illumina
Classification: Benign for Infantile cortical hyperostosis. Last evaluated: 2018-01-13. Review status: criteria provided, single submitter. Criteria: ICSL Variant Classification Criteria 13 December 2019. Collection method: clinical testing. Allele origin: germline.
Comment: the same text as in the submission from Illumina Laboratory Services, Illumina above.

GeneDx
Classification: Benign. Last evaluated: 2017-03-08. Review status: criteria provided, single submitter. Criteria: GeneDx Variant Classification (06012015). Collection method: clinical testing. Allele origin: germline. Affected: yes.
Comment: This variant is considered likely benign or benign based on one or more of the following criteria: it is a conservative change, it occurs at a poorly conserved position in the protein, it is predicted to be benign by multiple in silico algorithms, and/or has population frequency not consistent with disease.

Breakthrough Genomics
Classification: Benign. Review status: criteria provided, single submitter. Criteria: ACMG Guidelines, 2015. Collection method: not provided. Allele origin: germline. Inheritance: Autosomal dominant inheritance. Affected: yes.